The following is an entry in ClinVar:

ClinVar aggregate classification (germline): Uncertain significance (1 of 4 stars; one submission).

Conditions:
PIK3R2-related disorder. Also called: PIK3R2-related condition.

Submission:

PreventionGenetics, part of Exact Sciences
Classification: Uncertain significance for PIK3R2-related condition. Last evaluated: 2025-03-18. Review status: criteria provided, single submitter. Criteria: ACMG Guidelines, 2015. Collection method: clinical testing. Allele origin: germline.
Comment: The PIK3R2 c.1382A>T variant is predicted to result in the amino acid substitution p.Asp461Val. To our knowledge, this variant has not been reported in the literature or in a large population database (gnomAD), indicating this variant is rare. At this time, the clinical significance of this variant is uncertain due to the absence of conclusive functional and genetic evidence.

NM_005027.4(PIK3R2):c.1382A>T (p.Asp461Val)

Gene: PIK3R2 (phosphoinositide-3-kinase regulatory subunit 2; plus strand). Cytogenetic location: 19p13.11.
Variant type: single nucleotide variant.
Coding change: c.1382A>T on transcript NM_005027.4 (MANE Select); coding-DNA position 1382, A replaced by T.
Protein change: p.Asp461Val; replaces aspartic acid 461 with valine.
Molecular consequence: missense variant. On other transcripts: non-coding transcript variant (2).
Genome position (GRCh38, 1-based): chr19:18,163,354, A>T. VCF-style: chr19-18163354-A-T. GRCh37 (hg19) VCF-style: chr19-18274164-A-T.
Other names: short protein forms D461V.
Identifiers: ClinVar variation 5001504 (VCV005001504.1).